The following is an entry in ClinVar:

ClinVar aggregate classification (germline): Uncertain significance (1 of 4 stars; one submission).

Conditions:
Glomerulopathy with fibronectin deposits 2 (GFND2). Identifiers: Orphanet 84090, MedGen C1866075, MONDO:0011165, OMIM 601894.

Submission:

Victorian Clinical Genetics Services, Murdoch Childrens Research Institute
Classification: Uncertain significance for Glomerulopathy with fibronectin deposits 2. Last evaluated: 2022-02-02. Review status: criteria provided, single submitter. Criteria: ACMG Guidelines, 2015. Collection method: clinical testing. Allele origin: germline. Inheritance: Autosomal dominant inheritance. Affected: yes.
Comment: Based on the classification scheme VCGS_Germline_v1.3.4, this variant is classified as VUS-3C. Following criteria are met: 0105 - The mechanism of disease for this gene is not clearly established. However, loss-of-function has been suggested based on mutant proteins not being secreted and their intra-cellular accumulation (PMID: 29100092). (I) 0107 - This gene is associated with autosomal dominant disease. Variants associated with spondylometaphyseal dysplasia, corner fracture type (MIM#184255) lies within the C-terminus (domains I-1 to I-5) while variants associated with glomerulopathy with fibronectin deposits 2 (MIM#601894) often affect the cystine residues involved in disulphide bonds (PMID: 29100092; GeneReviews). (I) 0115 - Variants in this gene are known to have variable expressivity. Intra-familial variability has been observed (GeneReviews). (I) 0200 - Variant is predicted to result in a missense amino acid change from leucine to valine. (I) 0251 - This variant is heterozygous. (I) 0301 - Variant is absent from gnomAD (both v2 and v3). (SP) 0503 - Missense variant consistently predicted to be tolerated by multiple in silico tools or not conserved in placental mammals with a minor amino acid change. (SB) 0600 - Variant is located in the annotated fibronectin type-III 15 domain (Uniprot, NCBI) (I) 0705 - No comparable missense variants have previous evidence for pathogenicity. (I) 0807 - This variant has no previous evidence of pathogenicity. (I) 0905 - No published segregation evidence has been identified for this variant. (I) 1007 - No published functional evidence has been identified for this variant. (I) 1208 - Inheritance information for this variant is not currently available in this individual. (I) Legend: (SP) - Supporting pathogenic, (I) - Information, (SB) - Supporting benign

Literature cited by the submitters: PubMed 29100092.

NM_212482.4(FN1):c.5920C>G (p.Leu1974Val)

Genes: FN1 (fibronectin 1; minus strand), LOC126806496 (CDK7 strongly-dependent group 2 enhancer GRCh37_chr2:216240057-216241256; plus strand). Cytogenetic location: 2q35.
Variant type: single nucleotide variant.
Coding change: c.5920C>G on transcript NM_212482.4 (MANE Select); coding-DNA position 5920, C replaced by G.
Protein change: p.Leu1974Val; replaces leucine 1974 with valine.
Molecular consequence: missense variant.
Genome position (GRCh38, 1-based): chr2:215,375,686, G>C on the plus strand (C>G on the coding strand, the complement: FN1 is on the minus strand). VCF-style: chr2-215375686-G-C. GRCh37 (hg19) VCF-style: chr2-216240409-G-C.
Other names: c.5920C>G, p.Leu1974Val (NM_001306129.2); c.5650C>G, p.Leu1884Val (NM_001306130.2, NM_001365517.2, NM_001365519.2 and 2 more transcripts); c.5377C>G, p.Leu1793Val (NM_001306131.2, NM_001306132.2, NM_001365523.2 and 2 more transcripts); c.5647C>G, p.Leu1883Val (NM_001365518.2, NM_001365520.2, NM_001365524.2 and 2 more transcripts); short protein forms L1793V, L1883V, L1884V, L1974V.
Identifiers: ClinVar variation 1699375 (VCV001699375.3), dbSNP rs2106292157, ClinGen allele CA350470857.